The following is an entry in ClinVar:

NM_000372.5(TYR):c.1171G>A (p.Ala391Thr)

Gene: TYR (tyrosinase; plus strand). Cytogenetic location: 11q14.3.
Variant type: single nucleotide variant.
Coding change: c.1171G>A on transcript NM_000372.5 (MANE Select); coding-DNA position 1171, G replaced by A.
Protein change: p.Ala391Thr; replaces alanine 391 with threonine.
Molecular consequence: missense variant.
Genome position (GRCh38, 1-based): chr11:89,227,957, G>A. VCF-style: chr11-89227957-G-A. GRCh37 (hg19) VCF-style: chr11-88961125-G-A.
Other names: short protein forms A391T.
Identifiers: ClinVar variation 1465857 (VCV001465857.6), dbSNP rs2135281969, ClinGen allele CA382029063.
Genomic context (GRCh38, chr11:89,227,957, plus strand): 5'-AATGGAACAATGTCCCAGGTACAGGGATCTGCCAACGATCCTATCTTCCTTCTTCACCAT[G>A]CATTTGTTGACAGGTTGGTTAATATTTCTTTATAAATAACGTGCTCATTGGATTTAAATA-3'
Protein context (NP_000363.1, residues 381-401): ANDPIFLLHH[Ala391Thr]FVDSIFEQWL

ClinVar aggregate classification (germline): Conflicting classifications of pathogenicity. Review status: criteria provided, conflicting classifications (1 of 4 stars). 2 submissions from 2 submitters: Uncertain significance (1); Likely benign (1). Last evaluated 2021-10-15.

Conditions:
Oculocutaneous albinism type 1A (OCA1A). Also called: Albinism, oculocutaneous, type IA. Identifiers: Orphanet 352731, Orphanet 79431, MedGen C4551504, MONDO:0008745, OMIM 203100. Disease mechanism: loss of function.

Submissions (2):

Labcorp Genetics (formerly Invitae), Labcorp
Classification: Uncertain significance. Last evaluated: 2021-10-15. Review status: criteria provided, single submitter. Criteria: Invitae Variant Classification Sherloc (09022015). Collection method: clinical testing. Allele origin: germline.
Comment: Advanced modeling of protein sequence and biophysical properties (such as structural, functional, and spatial information, amino acid conservation, physicochemical variation, residue mobility, and thermodynamic stability) performed at Invitae indicates that this missense variant is expected to disrupt TYR protein function. This sequence change replaces alanine with threonine at codon 391 of the TYR protein (p.Ala391Thr). The alanine residue is highly conserved and there is a small physicochemical difference between alanine and threonine. This variant is not present in population databases (ExAC no frequency). This variant has not been reported in the literature in individuals affected with TYR-related conditions. In summary, the available evidence is currently insufficient to determine the role of this variant in disease. Therefore, it has been classified as a Variant of Uncertain Significance.

Laboratoire de Génétique Moléculaire, CHU Bordeaux
Classification: Likely benign for Oculocutaneous albinism type 1A. Review status: criteria provided, single submitter. Criteria: ACMG Guidelines, 2015. Collection method: clinical testing, in vitro. Allele origin: germline, not applicable. Affected: yes. Observed: 1 variant allele. Functional consequence: functionally normal.